The following is an entry in ClinVar:

NM_006939.4(SOS2):c.3134A>G (p.His1045Arg)

Gene: SOS2 (SOS Ras/Rho guanine nucleotide exchange factor 2; minus strand). Cytogenetic location: 14q21.3.
Variant type: single nucleotide variant.
Coding change: c.3134A>G on transcript NM_006939.4 (MANE Select); coding-DNA position 3134, A replaced by G.
Protein change: p.His1045Arg; replaces histidine 1045 with arginine.
Molecular consequence: missense variant.
Genome position (GRCh38, 1-based): chr14:50,130,704, T>C on the plus strand (A>G on the coding strand, the complement: SOS2 is on the minus strand). VCF-style: chr14-50130704-T-C. GRCh37 (hg19) VCF-style: chr14-50597422-T-C.
Other names: c.3035A>G, p.His1012Arg (NM_001411020.1); short protein forms H1012R, H1045R.
Identifiers: ClinVar variation 3321561 (VCV003321561.5).

ClinVar aggregate classification (germline): Conflicting classifications of pathogenicity. Review status: criteria provided, conflicting classifications (1 of 4 stars). 4 submissions from 4 submitters: Uncertain significance (3); Likely benign (1). Last evaluated 2025-07-06.

Conditions:
Cardiovascular phenotype. Identifiers: MedGen CN230736.
Noonan syndrome 9 (NS9). Identifiers: Orphanet 648, MedGen C4225282, MONDO:0014691, OMIM 616559.

gnomAD v4.1: 8 of 1,613,924 alleles (0.0005%); highest among the groups gnomAD compares: African/African-American, 0.0027%; no homozygotes.

Submissions (4):

Labcorp Genetics (formerly Invitae), Labcorp
Classification: Likely benign for Noonan syndrome 9. Last evaluated: 2025-07-06. Review status: criteria provided, single submitter. Criteria: Invitae Variant Classification Sherloc (09022015). Collection method: clinical testing. Allele origin: germline.

Revvity Omics, Revvity
Classification: Uncertain significance for Noonan syndrome 9. Last evaluated: 2025-05-26. Review status: criteria provided, single submitter. Criteria: ACMG Guidelines, 2015. Collection method: clinical testing. Allele origin: germline.

Women's Health and Genetics/Laboratory Corporation of America, LabCorp
Classification: Uncertain significance. Last evaluated: 2025-05-09. Review status: criteria provided, single submitter. Criteria: LabCorp Variant Classification Summary - May 2015. Collection method: clinical testing. Allele origin: germline.

Ambry Genetics
Classification: Uncertain significance for Cardiovascular phenotype. Last evaluated: 2024-06-09. Review status: criteria provided, single submitter. Criteria: Ambry Variant Classification Scheme 2023. Collection method: clinical testing. Allele origin: germline.
Comment: The p.H1045R variant (also known as c.3134A>G), located in coding exon 20 of the SOS2 gene, results from an A to G substitution at nucleotide position 3134. The histidine at codon 1045 is replaced by arginine, an amino acid with highly similar properties. This amino acid position is conserved. In addition, the in silico prediction for this alteration is inconclusive. Based on the available evidence, the clinical significance of this variant remains unclear.